The following is an entry in ClinVar:

NM_025114.4(CEP290):c.609C>T (p.Asp203=)

Gene: CEP290 (centrosomal protein 290; minus strand). Cytogenetic location: 12q21.32.
Variant type: single nucleotide variant.
Coding change: c.609C>T on transcript NM_025114.4 (MANE Select); coding-DNA position 609, C replaced by T.
Protein change: p.Asp203=; no amino-acid change (aspartic acid 203 retained).
Molecular consequence: synonymous variant.
Genome position (GRCh38, 1-based): chr12:88,130,328, G>A on the plus strand (C>T on the coding strand, the complement: CEP290 is on the minus strand). VCF-style: chr12-88130328-G-A. GRCh37 (hg19) VCF-style: chr12-88524105-G-A.
Identifiers: ClinVar variation 698017 (VCV000698017.16), dbSNP rs767725492, ClinGen allele CA6712728.
Genomic context (GRCh38, chr12:88,130,328, plus strand): 5'-CTGAATTTCATCAAGATATTGGATAAGCTCATAGTTTTTTTTAGACAACTGTGATCGGTA[G>A]TCACTGTCTTCCCCTCTTCTTGATAAAAGTGTTTCTTTCTGTGAATCTATTTGTTTCTGG-3'
Protein context (NP_079390.3, residues 193-213): TLLSRRGEDS[Asp203=]YRSQLSKKNY

ClinVar aggregate classification (germline): Likely benign. Review status: criteria provided, multiple submitters, no conflicts (2 of 4 stars). 5 submissions from 5 submitters: Likely benign (3). 2 of the submissions do not count toward it. Last evaluated 2024-09-19.

Conditions:
CEP290-related disorder. Also called: CEP290-related condition; CEP290-related disorders. Identifiers: MedGen CN239314.
Leber congenital amaurosis 10 (LCA10). Identifiers: Orphanet 65, MedGen C1857821, MONDO:0012723, OMIM 611755.
Meckel syndrome, type 4 (MKS4). Also called: MECKEL-GRUBER SYNDROME, TYPE 4. Identifiers: Orphanet 564, MedGen C1970161, MONDO:0012626, OMIM 611134.
Senior-Loken syndrome 6 (SLSN6). Identifiers: Orphanet 3156, MedGen C1857779, MONDO:0012433, OMIM 610189.
Joubert syndrome 5 (JBTS5). Identifiers: Orphanet 2318, MedGen C1857780, MONDO:0012432, OMIM 610188.
Bardet-Biedl syndrome 14 (BBS14). Identifiers: Orphanet 110, MedGen C2673874, MONDO:0014442, OMIM 615991.
Nephronophthisis. Also called: Juvenile Nephronophthisis. Identifiers: Orphanet 655, MedGen C0687120, MONDO:0019005, HP:0000090.
Meckel-Gruber syndrome. Also called: DYSENCEPHALIA SPLANCHNOCYSTICA; GRUBER SYNDROME; Dysencephalia splachnocystica. Identifiers: Orphanet 564, MedGen C0265215, MONDO:0018921.
Joubert syndrome. Also called: JOUBERT-BOLTSHAUSER SYNDROME; Familial aplasia of the vermis. Identifiers: Orphanet 475, MedGen C5979921, MONDO:0018772.
Leber congenital amaurosis (LCA). Also called: Leber's amaurosis. Identifiers: Orphanet 65, MedGen C0339527, MeSH D057130, MONDO:0018998.

Allele frequency attached by ClinVar (database versions not stated): TOPMed 0.00001; ExAC 0.00003; gnomAD exomes 0.00003 and 0.00004.
gnomAD v4.1: 45 of 1,609,054 alleles (0.0028%); highest among the groups gnomAD compares: Middle Eastern, 0.017%; no homozygotes.

Submissions (5):

Blueprint Genetics
Classification: Likely benign. Last evaluated: 2024-09-19. Review status: criteria provided, single submitter. Criteria: ACMG Guidelines, 2015. Collection method: clinical testing. Allele origin: germline.

Labcorp Genetics (formerly Invitae), Labcorp
Classification: Likely benign for Joubert syndrome; Meckel-Gruber syndrome; Nephronophthisis. Last evaluated: 2023-11-10. Review status: criteria provided, single submitter. Criteria: Invitae Variant Classification Sherloc (09022015). Collection method: clinical testing. Allele origin: germline.

Fulgent Genetics
Classification: Likely benign for Joubert syndrome 5; Senior-Loken syndrome 6; Meckel syndrome, type 4; Leber congenital amaurosis 10; Bardet-Biedl syndrome 14. Last evaluated: 2021-10-06. Review status: criteria provided, single submitter. Criteria: ACMG Guidelines, 2015. Collection method: clinical testing. Allele origin: unknown.

PreventionGenetics, part of Exact Sciences
Classification: Likely benign for CEP290-related condition. Last evaluated: 2021-04-15. Review status: no assertion criteria provided. Collection method: clinical testing. Allele origin: germline. Not counted in ClinVar's aggregate classification.
Comment: This variant is classified as likely benign based on ACMG/AMP sequence variant interpretation guidelines (Richards et al. 2015 PMID: 25741868, with internal and published modifications).

Natera, Inc.
Classification: Uncertain significance for Leber congenital amaurosis. Last evaluated: 2020-04-17. Review status: no assertion criteria provided. Collection method: clinical testing. Allele origin: germline. Not counted in ClinVar's aggregate classification.